The following is an entry in ClinVar:

ClinVar aggregate classification (germline): Uncertain significance (1 of 4 stars; one submission).

Conditions:
RYR1-related disorder. Also called: RYR1-related condition; RYR1-related disorders. Identifiers: MedGen CN239331.

Submission:

Labcorp Genetics (formerly Invitae), Labcorp
Classification: Uncertain significance for RYR1-related disorder. Last evaluated: 2023-07-27. Review status: criteria provided, single submitter. Criteria: Invitae Variant Classification Sherloc (09022015). Collection method: clinical testing. Allele origin: germline.
Comment: This sequence change replaces asparagine, which is neutral and polar, with threonine, which is neutral and polar, at codon 771 of the RYR1 protein (p.Asn771Thr). This variant is not present in population databases (gnomAD no frequency). This variant has not been reported in the literature in individuals affected with RYR1-related conditions. Advanced modeling of protein sequence and biophysical properties (such as structural, functional, and spatial information, amino acid conservation, physicochemical variation, residue mobility, and thermodynamic stability) performed at Invitae indicates that this missense variant is not expected to disrupt RYR1 protein function. In summary, the available evidence is currently insufficient to determine the role of this variant in disease. Therefore, it has been classified as a Variant of Uncertain Significance.

NM_000540.3(RYR1):c.2312A>C (p.Asn771Thr)

Gene: RYR1 (ryanodine receptor 1; plus strand). Cytogenetic location: 19q13.2.
Variant type: single nucleotide variant.
Coding change: c.2312A>C on transcript NM_000540.3 (MANE Select); coding-DNA position 2312, A replaced by C.
Protein change: p.Asn771Thr; replaces asparagine 771 with threonine.
Molecular consequence: missense variant.
Genome position (GRCh38, 1-based): chr19:38,459,290, A>C. VCF-style: chr19-38459290-A-C. GRCh37 (hg19) VCF-style: chr19-38949930-A-C.
Other names: c.2312A>C, p.Asn771Thr (NM_001042723.2); short protein forms N771T.
Identifiers: ClinVar variation 2956386 (VCV002956386.3), dbSNP rs763397720, ClinGen allele CA405628083.